The following is an entry in ClinVar:

ClinVar aggregate classification (germline): Likely benign (1 of 4 stars; one submission).

Conditions:
PCSK1-related disorder. Also called: PCSK1-related condition.

Submission:

PreventionGenetics, part of Exact Sciences
Classification: Likely benign for PCSK1-related condition. Last evaluated: 2026-06-24. Review status: criteria provided, single submitter. Criteria: ACMG Guidelines, 2015. Collection method: clinical testing. Allele origin: germline.
Comment: This variant is classified as likely benign based on ACMG/AMP sequence variant interpretation guidelines (Richards et al. 2015 PMID: 25741868, with internal and published modifications).

NM_000439.5(PCSK1):c.1017A>G (p.Leu339=)

Genes: CAST (calpastatin; plus strand), PCSK1 (proprotein convertase subtilisin/kexin type 1; minus strand), LOC101929710 (uncharacterized LOC101929710; plus strand). Cytogenetic location: 5q15.
Variant type: single nucleotide variant.
Coding change: c.1017A>G on transcript NM_000439.5 (MANE Select); coding-DNA position 1017, A replaced by G.
Protein change: p.Leu339=; no amino-acid change (leucine 339 retained).
Molecular consequence: synonymous variant. On other transcripts: intron variant (11).
Genome position (GRCh38, 1-based): chr5:96,410,852, T>C on the plus strand (A>G on the coding strand, the complement: PCSK1 is on the minus strand). VCF-style: chr5-96410852-T-C. GRCh37 (hg19) VCF-style: chr5-95746556-T-C.
Other names: c.876A>G, p.Leu292= (NM_001177875.2); c.-175+31200T>C (NM_001423254.1, NM_001423259.1, NM_001423255.1 and 6 more transcripts); c.-103+31200T>C (NM_001423253.1); c.-40+31200T>C (NM_001423258.1).
Identifiers: ClinVar variation 4977272 (VCV004977272.1).